The following is an entry in ClinVar:

ClinVar aggregate classification (germline): Uncertain significance (1 of 4 stars; one submission).

Conditions:
Alstrom syndrome (ALMS). Identifiers: Orphanet 64, MedGen C0268425, MONDO:0008763, OMIM 203800.

Submission:

Labcorp Genetics (formerly Invitae), Labcorp
Classification: Uncertain significance for Alstrom syndrome. Last evaluated: 2022-10-12. Review status: criteria provided, single submitter. Criteria: Invitae Variant Classification Sherloc (09022015). Collection method: clinical testing. Allele origin: germline.
Comment: This variant results in a copy number gain of the genomic region encompassing exon(s) 16-23 of the ALMS1 gene. This region includes the termination codon of the gene. This copy number gain extends beyond the assayed region for this gene and therefore may encompass additional genes. As the precise location of this event is unknown, it may be in tandem or it may be located elsewhere in the genome. This variant has not been reported in the literature in individuals affected with ALMS1-related conditions. Experimental studies and prediction algorithms are not available or were not evaluated, and the functional significance of this variant is currently unknown. In summary, the available evidence is currently insufficient to determine the role of this variant in disease. Therefore, it has been classified as a Variant of Uncertain Significance.

NC_000002.11:g.(?_73799369)_(73836739_?)dup

Gene: ALMS1 (ALMS1 centrosome and basal body associated protein; plus strand). Cytogenetic location: 2p13.1.
Variant type: Duplication.
Identifiers: ClinVar variation 2426077 (VCV002426077.3).